The following is an entry in ClinVar:

ClinVar aggregate classification (germline): Benign (1 of 4 stars; one submission).

Conditions:
Leigh syndrome (NULS). Also called: Leigh's necrotizing encephalopathy; Leigh's disease; Leigh Syndrome (mtDNA deletion); Leigh Disease; Subacute necrotizing encephalopathy; Necrotizing encephalopathy infantile subacute of Leigh. Identifiers: Orphanet 506, MedGen C2931891, MONDO:0009723, OMIM 256000.

Submission:

Wong Mito Lab, Molecular and Human Genetics, Baylor College of Medicine
Classification: Benign for Leigh syndrome. Last evaluated: 2019-10-17. Review status: criteria provided, single submitter. Criteria: Modified ACMG Guidelines (Unpublished). Collection method: clinical testing. Allele origin: germline.
Comment: The NC_012920.1:m.12020C>T (YP_003024035.1:p.His421Tyr) variant in MTND4 gene is interpretated to be a Benign variant based on the modified ACMG guidelines (unpublished). This variant meets the following evidence codes: BS1, BS4, BP4

NC_012920.1(MT-ND4):m.12020C>T

Gene: MT-ND4 (mitochondrially encoded NADH dehydrogenase 4; plus strand).
Variant type: single nucleotide variant.
Genome position: chrM-12020-C-T.
Identifiers: ClinVar variation 693400 (VCV000693400.1), dbSNP rs1603223516, ClinGen allele CA414812118.